The following is an entry in ClinVar:

NM_004446.3(EPRS1):c.3965C>T (p.Ala1322Val)

Gene: EPRS1 (glutamyl-prolyl-tRNA synthetase 1; minus strand). Cytogenetic location: 1q41.
Variant type: single nucleotide variant.
Coding change: c.3965C>T on transcript NM_004446.3 (MANE Select); coding-DNA position 3965, C replaced by T.
Protein change: p.Ala1322Val; replaces alanine 1322 with valine.
Molecular consequence: missense variant.
Genome position (GRCh38, 1-based): chr1:219,978,664, G>A on the plus strand (C>T on the coding strand, the complement: EPRS1 is on the minus strand). VCF-style: chr1-219978664-G-A. GRCh37 (hg19) VCF-style: chr1-220152006-G-A.
Other names: short protein forms A1322V.
Identifiers: ClinVar variation 4884515 (VCV004884515.1).

ClinVar aggregate classification (germline): VUS-low (0 of 4 stars; one submission).

Conditions:
Leukodystrophy, hypomyelinating, 15. Identifiers: MedGen C4693733, MONDO:0054782, OMIM 617951.

gnomAD v4.1: 31 of 1,611,956 alleles (0.0019%); highest among the groups gnomAD compares: South Asian, 0.021%; no homozygotes.

Submission:

Clinic of Genetic Medicine
Classification: VUS-low for Leukodystrophy, hypomyelinating, 15. Last evaluated: 2026-04-18. Review status: no assertion criteria provided. Collection method: clinical testing. Allele origin: germline. Inheritance: Autosomal recessive inheritance. Affected: yes. Observed: 1 variant allele, 1 homozygote.
Comment: classification (PP1_Sup, PM2_M, PVS1_S)

Literature cited by the submitters: PubMed 33805425.